The following is an entry in ClinVar:

NM_001680.5(FXYD2):c.63T>C (p.Tyr21=)

Genes: FXYD2 (FXYD domain containing ion transport regulator 2; minus strand), FXYD6-FXYD2 (FXYD6-FXYD2 readthrough; minus strand). Cytogenetic location: 11q23.3.
Variant type: single nucleotide variant.
Coding change: c.63T>C on transcript NM_001680.5 (MANE Select); coding-DNA position 63, T replaced by C.
Protein change: p.Tyr21=; no amino-acid change (tyrosine 21 retained).
Molecular consequence: synonymous variant. On other transcripts: missense variant (1).
Genome position (GRCh38, 1-based): chr11:117,822,680, A>G on the plus strand (T>C on the coding strand, the complement: FXYD2 is on the minus strand). VCF-style: chr11-117822680-A-G. GRCh37 (hg19) VCF-style: chr11-117693395-A-G.
Other names: c.297T>C, p.Tyr99= (NM_001204268.3); c.310T>C, p.Trp104Arg (NM_001243598.4); c.57T>C, p.Tyr19= (NM_021603.4); short protein forms W104R.
Identifiers: ClinVar variation 2168629 (VCV002168629.4), dbSNP rs776282287, ClinGen allele CA6297854.
Genomic context (GRCh38, chr11:117,822,680, plus strand): 5'-GCTGCTTGGTGGAAGGGGTCCTGAGGGCTCAGGAAGGGTGCGCAGGGGCCCAGGCTTACC[A>G]TAGTAGAACGGGTCCACGTCCCCCTTGGGGCTGCCGCCTAGGAGAGAGCCAGAGGTGGGA-3'
Protein context (NP_001671.2, residues 11-31): SPKGDVDPFY[Tyr21=]DYETVRNGGL

ClinVar aggregate classification (germline): Uncertain significance (1 of 4 stars; one submission).

Allele frequency attached by ClinVar (database versions not stated): TOPMed 0.00001; gnomAD 0.00002; gnomAD exomes 0.00003; ExAC 0.00007.
gnomAD v4.1: 41 of 1,610,380 alleles (0.0025%); highest among the groups gnomAD compares: South Asian, 0.036%; no homozygotes.

Submission:

Labcorp Genetics (formerly Invitae), Labcorp
Classification: Uncertain significance. Last evaluated: 2022-05-21. Review status: criteria provided, single submitter. Criteria: Invitae Variant Classification Sherloc (09022015). Collection method: clinical testing. Allele origin: germline.
Comment: In summary, the available evidence is currently insufficient to determine the role of this variant in disease. Therefore, it has been classified as a Variant of Uncertain Significance. Algorithms developed to predict the effect of sequence changes on RNA splicing suggest that this variant is not likely to affect RNA splicing. This variant has not been reported in the literature in individuals affected with FXYD2-related conditions. This variant is present in population databases (rs776282287, gnomAD 0.03%), and has an allele count higher than expected for a pathogenic variant. This sequence change affects codon 21 of the FXYD2 mRNA. It is a 'silent' change, meaning that it does not change the encoded amino acid sequence of the FXYD2 protein. It affects a nucleotide within the consensus splice site.